The following is an entry in ClinVar:

NM_017534.6(MYH2):c.5744G>A (p.Arg1915Gln)

Genes: MYHAS (myosin heavy chain gene cluster antisense RNA; plus strand), MYH2 (myosin heavy chain 2; minus strand). Cytogenetic location: 17p13.1.
Variant type: single nucleotide variant.
Coding change: c.5744G>A on transcript NM_017534.6 (MANE Select); coding-DNA position 5744, G replaced by A.
Protein change: p.Arg1915Gln; replaces arginine 1915 with glutamine.
Molecular consequence: missense variant.
Genome position (GRCh38, 1-based): chr17:10,521,362, C>T on the plus strand (G>A on the coding strand, the complement: MYH2 is on the minus strand). VCF-style: chr17-10521362-C-T. GRCh37 (hg19) VCF-style: chr17-10424679-C-T.
Other names: c.5744G>A, p.Arg1915Gln (NM_001100112.2); short protein forms R1915Q.
Identifiers: ClinVar variation 321661 (VCV000321661.35), dbSNP rs201882457, ClinGen allele CA8390316.

ClinVar aggregate classification (germline): Uncertain significance. Review status: criteria provided, multiple submitters, no conflicts (2 of 4 stars). 4 submissions from 4 submitters: Uncertain significance (4). Last evaluated 2025-04-17.

Conditions:
Inborn genetic diseases. Identifiers: MedGen C0950123, MeSH D030342.
Myopathy, proximal, and ophthalmoplegia (CMYO6). Also called: CONGENITAL MYOPATHY 6 WITH OPHTHALMOPLEGIA; MYOPATHY WITH CONGENITAL JOINT CONTRACTURES, OPHTHALMOPLEGIA, AND RIMMED VACUOLES; INCLUSION BODY MYOPATHY 3, AUTOSOMAL DOMINANT. Identifiers: Orphanet 363677, Orphanet 79091, MedGen C1854106, MONDO:0011577, OMIM 605637.

Allele frequency attached by ClinVar (database versions not stated): ExAC 0.00002; gnomAD 0.00002; gnomAD exomes 0.00002 and 0.00004; TOPMed 0.00002.
gnomAD v4.1: 34 of 1,613,974 alleles (0.0021%); highest among the groups gnomAD compares: Admixed American, 0.01%; no homozygotes.

Submissions (4):

Labcorp Genetics (formerly Invitae), Labcorp
Classification: Uncertain significance for Myopathy, proximal, and ophthalmoplegia. Last evaluated: 2025-04-17. Review status: criteria provided, single submitter. Criteria: Invitae Variant Classification Sherloc (09022015). Collection method: clinical testing. Allele origin: germline.
Comment: This sequence change replaces arginine, which is basic and polar, with glutamine, which is neutral and polar, at codon 1915 of the MYH2 protein (p.Arg1915Gln). This variant is present in population databases (rs201882457, gnomAD 0.01%). This variant has not been reported in the literature in individuals affected with MYH2-related conditions. ClinVar contains an entry for this variant (Variation ID: 321661). Invitae Evidence Modeling of protein sequence and biophysical properties (such as structural, functional, and spatial information, amino acid conservation, physicochemical variation, residue mobility, and thermodynamic stability) indicates that this missense variant is not expected to disrupt MYH2 protein function with a negative predictive value of 80%. In summary, the available evidence is currently insufficient to determine the role of this variant in disease. Therefore, it has been classified as a Variant of Uncertain Significance.

CeGaT Center for Human Genetics Tuebingen
Classification: Uncertain significance. Last evaluated: 2023-03-01. Review status: criteria provided, single submitter. Criteria: CeGaT Center For Human Genetics Tuebingen Variant Classification Criteria Version 2. Collection method: clinical testing. Allele origin: germline. Affected: yes. Observed: 1 variant allele.
Comment: MYH2: PM2, PP3

Ambry Genetics
Classification: Uncertain significance for Inborn genetic diseases. Last evaluated: 2021-07-09. Review status: criteria provided, single submitter. Criteria: Ambry Variant Classification Scheme 2023. Collection method: clinical testing. Allele origin: germline.

Illumina Laboratory Services, Illumina
Classification: Uncertain significance for Myopathy, proximal, and ophthalmoplegia. Last evaluated: 2018-01-13. Review status: criteria provided, single submitter. Criteria: ICSL Variant Classification Criteria 13 December 2019. Collection method: clinical testing. Allele origin: germline.